The following is an entry in ClinVar:

ClinVar aggregate classification (germline): Uncertain significance (1 of 4 stars; one submission).

Submission:

Labcorp Genetics (formerly Invitae), Labcorp
Classification: Uncertain significance. Last evaluated: 2026-01-20. Review status: criteria provided, single submitter. Criteria: Invitae Variant Classification Sherloc (09022015). Collection method: clinical testing. Allele origin: germline.
Comment: This sequence change replaces arginine, which is basic and polar, with serine, which is neutral and polar, at codon 560 of the FBXL4 protein (p.Arg560Ser). This variant is not present in population databases (gnomAD no frequency). This variant has not been reported in the literature in individuals affected with FBXL4-related conditions. Invitae Evidence Modeling of protein sequence and biophysical properties (such as structural, functional, and spatial information, amino acid conservation, physicochemical variation, residue mobility, and thermodynamic stability) indicates that this missense variant is not expected to disrupt FBXL4 protein function with a negative predictive value of 95%. In summary, the available evidence is currently insufficient to determine the role of this variant in disease. Therefore, it has been classified as a Variant of Uncertain Significance.

NM_001278716.2(FBXL4):c.1680G>T (p.Arg560Ser)

Gene: FBXL4 (F-box and leucine rich repeat protein 4; minus strand). Cytogenetic location: 6q16.1.
Variant type: single nucleotide variant.
Coding change: c.1680G>T on transcript NM_001278716.2 (MANE Select); coding-DNA position 1680, G replaced by T.
Protein change: p.Arg560Ser; replaces arginine 560 with serine.
Molecular consequence: missense variant. On other transcripts: non-coding transcript variant (1).
Genome position (GRCh38, 1-based): chr6:98,875,437, C>A on the plus strand (G>T on the coding strand, the complement: FBXL4 is on the minus strand). VCF-style: chr6-98875437-C-A. GRCh37 (hg19) VCF-style: chr6-99323313-C-A.
Other names: c.1680G>T, p.Arg560Ser (NM_012160.5); short protein forms R560S.
Identifiers: ClinVar variation 4709721 (VCV004709721.1).
Genomic context (GRCh38, chr6:98,875,437, plus strand): 5'-ACAGACATTTAAAACAAATTTATATATTGTAACCTTACCTAATATGTCCAGCTGCTGTAA[C>A]CTGGTACAATTACATGCCAATTCATCAATGTCTGTGTCACACACAGATCTATTAGCTGTA-3'
Protein context (NP_001265645.1, residues 550-570): DIDELACNCT[Arg560Ser]LQQLDILGTR